The following is an entry in ClinVar:

NM_001017995.3(SH3PXD2B):c.657G>T (p.Gln219His)

Gene: SH3PXD2B (SH3 and PX domains 2B; minus strand). Cytogenetic location: 5q35.1.
Variant type: single nucleotide variant.
Coding change: c.657G>T on transcript NM_001017995.3 (MANE Select); coding-DNA position 657, G replaced by T.
Protein change: p.Gln219His; replaces glutamine 219 with histidine.
Molecular consequence: missense variant.
Genome position (GRCh38, 1-based): chr5:172,358,783, C>A on the plus strand (G>T on the coding strand, the complement: SH3PXD2B is on the minus strand). VCF-style: chr5-172358783-C-A. GRCh37 (hg19) VCF-style: chr5-171785787-C-A.
Other names: c.657G>T, p.Gln219His (NM_001308175.2); short protein forms Q219H.
Identifiers: ClinVar variation 1037912 (VCV001037912.6), dbSNP rs1757336659, ClinGen allele CA362143546.

ClinVar aggregate classification (germline): Uncertain significance (1 of 4 stars; one submission).

gnomAD v4.1: 4 of 1,612,572 alleles (0.00025%); highest among the groups gnomAD compares: Non-Finnish European, 0.00034%; no homozygotes.

Submission:

Labcorp Genetics (formerly Invitae), Labcorp
Classification: Uncertain significance. Last evaluated: 2021-08-31. Review status: criteria provided, single submitter. Criteria: Invitae Variant Classification Sherloc (09022015). Collection method: clinical testing. Allele origin: germline.
Comment: This sequence change replaces glutamine with histidine at codon 219 of the SH3PXD2B protein (p.Gln219His). The glutamine residue is moderately conserved and there is a small physicochemical difference between glutamine and histidine. This variant is not present in population databases (ExAC no frequency). This variant has not been reported in the literature in individuals affected with SH3PXD2B-related conditions. Algorithms developed to predict the effect of missense changes on protein structure and function (SIFT, PolyPhen-2, Align-GVGD) all suggest that this variant is likely to be tolerated. In summary, the available evidence is currently insufficient to determine the role of this variant in disease. Therefore, it has been classified as a Variant of Uncertain Significance.